The following is an entry in ClinVar:

ClinVar aggregate classification (germline): Likely pathogenic (1 of 4 stars; one submission).

Conditions:
Diamond-Blackfan anemia 8 (DBA8). Also called: RPS7-Related Diamond-Blackfan Anemia. Identifiers: Orphanet 124, MedGen C2675511, MONDO:0012939, OMIM 612563.

Submission:

Broad Center for Mendelian Genomics, Broad Institute of MIT and Harvard
Classification: Likely pathogenic for Diamond-Blackfan anemia 8. Last evaluated: 2023-05-02. Review status: criteria provided, single submitter. Criteria: ACMG Guidelines, 2015. Collection method: curation. Allele origin: germline. Inheritance: Autosomal dominant inheritance.
Comment: The p.Gly22AlafsTer10 variant in RPS7 has not has been not been previously reported in individuals with Diamond-Blackfan anemia 8. This variant was absent from large population studies. This variant is predicted to cause a frameshift, which alters the protein‚Äôs amino acid sequence beginning at position 22 and leads to a premature termination codon 10 amino acids downstream. This alteration is then predicted to lead to a truncated or absent protein. Heterozygous loss of function of the RPS7 gene is an established disease mechanism in autosomal dominant Diamond-Blackfan anemia 8. In summary, although additional studies are required to fully establish its clinical significance, this variant is likely pathogenic for autosomal dominant Diamond-Blackfan anemia 8. ACMG/AMP Criteria applied: PVS1, PM2_Supporting (Richards 2015).

NM_001011.4(RPS7):c.65_68del (p.Gly22fs)

Gene: RPS7 (ribosomal protein S7; plus strand). Cytogenetic location: 2p25.3.
Variant type: Deletion.
Coding change: c.65_68del on transcript NM_001011.4 (MANE Select); coding-DNA positions 65 to 68, 4 bases deleted (GCAT; older notation c.65_68delGCAT).
Protein change: p.Gly22fs; shifts the reading frame from glycine 22.
Molecular consequence: frameshift variant.
Genome position (GRCh38, 1-based): chr2:3,575,674-3,575,677, GCAT deleted. VCF-style (leftmost placement, unchanged base first): chr2-3575673-GGCAT-G. GRCh37 (hg19) VCF-style: chr2-3623263-GGCAT-G.
Other names: NM_001011.4:c.65_68del; short protein forms G22fs.
Identifiers: ClinVar variation 2500885 (VCV002500885.1), dbSNP rs2528177027, ClinGen allele CA2573334919.
Genomic context (GRCh38, chr2:3,575,673, plus strand): 5'-TTCAGTTCGAGCGCCAAGATCGTGAAGCCCAATGGCGAGAAGCCGGACGAGTTCGAGTCC[GGCAT>G]CTCCCAGGTGAGAGGGTTTCCCTGGGGTCTGGGGTGGGGGGAGGCGCCCCGCCCGGGAGG-3'